The following is an entry in ClinVar:

NM_004370.6(COL12A1):c.70G>A (p.Glu24Lys)

Gene: COL12A1 (collagen type XII alpha 1 chain; minus strand). Cytogenetic location: 6q14.1.
Variant type: single nucleotide variant.
Coding change: c.70G>A on transcript NM_004370.6 (MANE Select); coding-DNA position 70, G replaced by A.
Protein change: p.Glu24Lys; replaces glutamic acid 24 with lysine.
Molecular consequence: missense variant.
Genome position (GRCh38, 1-based): chr6:75,202,723, C>T on the plus strand (G>A on the coding strand, the complement: COL12A1 is on the minus strand). VCF-style: chr6-75202723-C-T. GRCh37 (hg19) VCF-style: chr6-75912439-C-T.
Other names: c.70G>A, p.Glu24Lys (NM_080645.3); short protein forms E24K.
Identifiers: ClinVar variation 1345474 (VCV001345474.8), dbSNP rs1233096096, ClinGen allele CA364734092.
Genomic context (GRCh38, chr6:75,202,723, plus strand): 5'-TTTTTCCTTTCTCGAATTTTGCATTGTCACTCGGTGAAGGGGAAGGGAGCCTTTTACCTT[C>T]TGCCTCAATGGAAGACAGGAGCAGGGCCGCGCCCAGGGCGGCAAGCGCTGGGGGAAGCCT-3'
Protein context (NP_004361.3, residues 14-34): AALLLSSIEA[Glu24Lys]VDPPSDLNFK

ClinVar aggregate classification (germline): Uncertain significance (1 of 4 stars; one submission).

Conditions:
Ullrich congenital muscular dystrophy 2 (UCMD2). Identifiers: Orphanet 75840, MedGen C4225314, MONDO:0014654, OMIM 616470.
Bethlem myopathy 2 (BTHLM2). Identifiers: Orphanet 536516, Orphanet 610, MedGen C4225313, MONDO:0034022, OMIM 616471.

Allele frequency attached by ClinVar (database versions not stated): gnomAD exomes below 0.00001 and 0.00001.

Submission:

Labcorp Genetics (formerly Invitae), Labcorp
Classification: Uncertain significance for Bethlem myopathy 2; Ullrich congenital muscular dystrophy 2. Last evaluated: 2020-10-29. Review status: criteria provided, single submitter. Criteria: Invitae Variant Classification Sherloc (09022015). Collection method: clinical testing. Allele origin: germline.
Comment: In summary, the available evidence is currently insufficient to determine the role of this variant in disease. Therefore, it has been classified as a Variant of Uncertain Significance. Algorithms developed to predict the effect of missense changes on protein structure and function are either unavailable or do not agree on the potential impact of this missense change (SIFT: "Deleterious"; PolyPhen-2: "Probably Damaging"; Align-GVGD: "Class C0"). This variant has not been reported in the literature in individuals with COL12A1-related conditions. This variant is not present in population databases (ExAC no frequency). This sequence change replaces glutamic acid with lysine at codon 24 of the COL12A1 protein (p.Glu24Lys). The glutamic acid residue is moderately conserved and there is a small physicochemical difference between glutamic acid and lysine.